The following is an entry in ClinVar:

ClinVar aggregate classification (germline): Uncertain significance. Review status: criteria provided, multiple submitters, no conflicts (2 of 4 stars). 2 submissions from 2 submitters: Uncertain significance (2). Last evaluated 2024-01-30.

Conditions:
Neuroblastoma, susceptibility to, 3. Also called: ALK-Related Neuroblastic Tumor Susceptibility. Identifiers: Orphanet 635, MedGen C2751681, MONDO:0013083, OMIM 613014.
Hereditary cancer-predisposing syndrome. Also called: Hereditary neoplastic syndrome; Tumor predisposition; Neoplastic Syndromes, Hereditary; Hereditary Cancer Syndrome. Identifiers: Orphanet 140162, MedGen C0027672, MeSH D009386, MONDO:0015356.

Allele frequency attached by ClinVar (database versions not stated): gnomAD exomes below 0.00001.
gnomAD v4.1: 2 of 1,613,746 alleles (0.00012%); highest among the groups gnomAD compares: Non-Finnish European, 0.000085%; no homozygotes.

Submissions (2):

Ambry Genetics
Classification: Uncertain significance for Hereditary cancer-predisposing syndrome. Last evaluated: 2024-01-30. Review status: criteria provided, single submitter. Criteria: Ambry Variant Classification Scheme 2023. Collection method: clinical testing. Allele origin: germline.
Comment: The p.G221E variant (also known as c.662G>A), located in coding exon 1 of the ALK gene, results from a G to A substitution at nucleotide position 662. The glycine at codon 221 is replaced by glutamic acid, an amino acid with similar properties. This amino acid position is conserved. In addition, this alteration is predicted to be tolerated by in silico analysis. Based on the available evidence, the clinical significance of this alteration remains unclear.

Labcorp Genetics (formerly Invitae), Labcorp
Classification: Uncertain significance for Neuroblastoma, susceptibility to, 3. Last evaluated: 2023-02-01. Review status: criteria provided, single submitter. Criteria: Invitae Variant Classification Sherloc (09022015). Collection method: clinical testing. Allele origin: germline.
Comment: In summary, the available evidence is currently insufficient to determine the role of this variant in disease. Therefore, it has been classified as a Variant of Uncertain Significance. Algorithms developed to predict the effect of missense changes on protein structure and function are either unavailable or do not agree on the potential impact of this missense change (SIFT: "Deleterious"; PolyPhen-2: "Benign"; Align-GVGD: "Class C0"). ClinVar contains an entry for this variant (Variation ID: 963224). This variant has not been reported in the literature in individuals affected with ALK-related conditions. This variant is not present in population databases (gnomAD no frequency). This sequence change replaces glycine, which is neutral and non-polar, with glutamic acid, which is acidic and polar, at codon 221 of the ALK protein (p.Gly221Glu).

NM_004304.5(ALK):c.662G>A (p.Gly221Glu)

Gene: ALK (ALK receptor tyrosine kinase; minus strand). Cytogenetic location: 2p23.1.
Variant type: single nucleotide variant.
Coding change: c.662G>A on transcript NM_004304.5 (MANE Select); coding-DNA position 662, G replaced by A.
Protein change: p.Gly221Glu; replaces glycine 221 with glutamic acid.
Molecular consequence: missense variant.
Genome position (GRCh38, 1-based): chr2:29,919,998, C>T on the plus strand (G>A on the coding strand, the complement: ALK is on the minus strand). VCF-style: chr2-29919998-C-T. GRCh37 (hg19) VCF-style: chr2-30142864-C-T.
Other names: short protein forms G221E.
Identifiers: ClinVar variation 963224 (VCV000963224.10), dbSNP rs1667944325, ClinGen allele CA346589587.